The following is an entry in ClinVar:

NM_017852.5(NLRP2):c.702C>A (p.Asn234Lys)

Gene: NLRP2 (NLR family pyrin domain containing 2; plus strand). Cytogenetic location: 19q13.42.
Variant type: single nucleotide variant.
Coding change: c.702C>A on transcript NM_017852.5 (MANE Select); coding-DNA position 702, C replaced by A.
Protein change: p.Asn234Lys; replaces asparagine 234 with lysine.
Molecular consequence: missense variant. On other transcripts: non-coding transcript variant (1).
Genome position (GRCh38, 1-based): chr19:54,982,400, C>A. VCF-style: chr19-54982400-C-A. GRCh37 (hg19) VCF-style: chr19-55493768-C-A.
Other names: c.702C>A, p.Asn234Lys (NM_001174081.3); c.636C>A, p.Asn212Lys (NM_001174082.3); c.633C>A, p.Asn211Lys (NM_001174083.2); c.693C>A, p.Asn231Lys (NM_001348003.2); short protein forms N211K, N212K, N231K, N234K.
Identifiers: ClinVar variation 3361252 (VCV003361252.1).

ClinVar aggregate classification (germline): Uncertain significance (1 of 4 stars; one submission).

Submission:

GeneDx
Classification: Uncertain significance. Last evaluated: 2023-07-20. Review status: criteria provided, single submitter. Criteria: GeneDx Variant Classification Process June 2021. Collection method: clinical testing. Allele origin: germline. Affected: yes.
Comment: Not observed at significant frequency in large population cohorts (gnomAD); In silico analysis supports that this missense variant has a deleterious effect on protein structure/function; Has not been previously published as pathogenic or benign to our knowledge